The following is an entry in ClinVar:

NM_000123.4(ERCC5):c.56C>T (p.Pro19Leu)

Genes: BIVM-ERCC5 (BIVM-ERCC5 readthrough; plus strand), ERCC5 (ERCC excision repair 5, endonuclease; plus strand). Cytogenetic location: 13q33.1.
Variant type: single nucleotide variant.
Coding change: c.56C>T on transcript NM_000123.4 (MANE Select); coding-DNA position 56, C replaced by T.
Protein change: p.Pro19Leu; replaces proline 19 with leucine.
Molecular consequence: missense variant. On other transcripts: intron variant (1).
Genome position (GRCh38, 1-based): chr13:102,846,322, C>T. VCF-style: chr13-102846322-C-T. GRCh37 (hg19) VCF-style: chr13-103498672-C-T.
Other names: c.1451-5796C>T (NM_001204425.2); short protein forms P19L.
Identifiers: ClinVar variation 134159 (VCV000134159.57), dbSNP rs34291397, ClinGen allele CA158939.

ClinVar aggregate classification (germline): Conflicting classifications of pathogenicity. Review status: criteria provided, conflicting classifications (1 of 4 stars). 9 submissions from 9 submitters: Uncertain significance (7); Likely benign (1). 1 of the submissions does not count toward it. Last evaluated 2025-10-01.

Conditions:
Inborn genetic diseases. Identifiers: MedGen C0950123, MeSH D030342.
Cerebrooculofacioskeletal syndrome 3 (COFS3). Identifiers: MedGen C1851443, MONDO:0014696, OMIM 616570.
Xeroderma pigmentosum, group G (XPG). Also called: XERODERMA PIGMENTOSUM VII; XP, GROUP G; Xeroderma pigmentosum type 7; ERCC5-Related Xeroderma Pigmentosum. Identifiers: MedGen C0268141, MONDO:0010216, OMIM 278780.

Allele frequency attached by ClinVar (database versions not stated): gnomAD 0.00058 and 0.00059; TOPMed 0.00058; gnomAD exomes 0.00059 and 0.00072; ESP Exome Variant Server 0.00062; ExAC 0.00068.

Submissions (9):

CeGaT Center for Human Genetics Tuebingen
Classification: Likely benign. Last evaluated: 2025-10-01. Review status: criteria provided, single submitter. Criteria: CeGaT Center For Human Genetics Tuebingen Variant Classification Criteria Version 2. Collection method: clinical testing. Allele origin: germline. Affected: yes. Observed: 8 variant alleles.
Comment: ERCC5: BP4

GeneDx
Classification: Uncertain significance. Last evaluated: 2025-04-21. Review status: criteria provided, single submitter. Criteria: GeneDx Variant Classification Process June 2021. Collection method: clinical testing. Allele origin: germline.
Comment: Observed in individuals with breast cancer, sarcoma, thyroid cancer, and/or colorectal cancer (PMID: 27498913, 30306255, 30086788, 33821390, 36077770, 39554577); In silico analysis supports that this missense variant has a deleterious effect on protein structure/function; This variant is associated with the following publications: (PMID: 30086788, 29641532, 27498913, 28137924, 24728327, 31937788, 30306255, 33821390, 36077770, 39554577)

Labcorp Genetics (formerly Invitae), Labcorp
Classification: Uncertain significance. Last evaluated: 2024-10-21. Review status: criteria provided, single submitter. Criteria: Invitae Variant Classification Sherloc (09022015). Collection method: clinical testing. Allele origin: germline.
Comment: This sequence change replaces proline, which is neutral and non-polar, with leucine, which is neutral and non-polar, at codon 19 of the ERCC5 protein (p.Pro19Leu). This variant is present in population databases (rs34291397, gnomAD 0.1%), and has an allele count higher than expected for a pathogenic variant. This variant has not been reported in the literature in individuals affected with ERCC5-related conditions. ClinVar contains an entry for this variant (Variation ID: 134159). An algorithm developed to predict the effect of missense changes on protein structure and function (PolyPhen-2) suggests that this variant is likely to be disruptive. In summary, the available evidence is currently insufficient to determine the role of this variant in disease. Therefore, it has been classified as a Variant of Uncertain Significance.

Women's Health and Genetics/Laboratory Corporation of America, LabCorp
Classification: Uncertain significance. Last evaluated: 2024-08-07. Review status: criteria provided, single submitter. Criteria: LabCorp Variant Classification Summary - May 2015. Collection method: clinical testing. Allele origin: germline.
Comment: Variant summary: ERCC5 c.56C>T (p.Pro19Leu) results in a non-conservative amino acid change located in the XPG, N-terminal domain (IPR006085) of the encoded protein sequence. Three of five in-silico tools predict a damaging effect of the variant on protein function. The variant allele was found at a frequency of 0.00059 in 249366 control chromosomes. The observed variant frequency is approximately 3 fold of the estimated maximal expected allele frequency for a pathogenic variant in ERCC5 causing Xeroderma Pigmentosum phenotype (0.00019). c.56C>T has been reported in the literature in several cancer cohorts (e.g., dosSantos_2022) and in a cohort of children with various rare genetic diseases (e.g., Chirita-Emandi_2020), but has not been reported in any individuals clearly affected with Xeroderma Pigmentosum to our knowledge. These reports therefore do not provide unequivocal conclusions about association of the variant with Xeroderma Pigmentosum. To our knowledge, no experimental evidence demonstrating an impact on protein function has been reported. The following publications have been ascertained in the context of this evaluation (PMID: 31937788, 32573973, 36077770). ClinVar contains an entry for this variant (Variation ID: 134159). Based on the evidence outlined above, the variant was classified as VUS-possibly benign.

Ambry Genetics
Classification: Uncertain significance for Inborn genetic diseases. Last evaluated: 2021-11-25. Review status: criteria provided, single submitter. Criteria: Ambry Variant Classification Scheme 2023. Collection method: clinical testing. Allele origin: germline.

Institute for Clinical Genetics, University Hospital TU Dresden, University Hospital TU Dresden
Classification: Uncertain significance. Last evaluated: 2021-11-03. Review status: criteria provided, single submitter. Criteria: ACMG Guidelines, 2015. Collection method: clinical testing. Allele origin: germline.

Baylor Genetics
Classification: Uncertain significance for Cerebrooculofacioskeletal syndrome 3. Last evaluated: 2020-08-30. Review status: criteria provided, single submitter. Criteria: ACMG Guidelines, 2015. Collection method: clinical testing. Allele origin: unknown. Affected: yes. Study: CSER-TexasKidsCanSeq.
Comment: This variant was determined to be of uncertain significance according to ACMG Guidelines, 2015 [PMID:25741868].

Illumina Laboratory Services, Illumina
Classification: Uncertain significance for Xeroderma pigmentosum, group G. Last evaluated: 2018-01-13. Review status: criteria provided, single submitter. Criteria: ICSL Variant Classification Criteria 13 December 2019. Collection method: clinical testing. Allele origin: germline.

ITMI
No classification provided. Condition: AllHighlyPenetrant. Last evaluated: 2013-09-19. Review status: no classification provided. Collection method: reference population. Allele origin: germline. Not counted in ClinVar's aggregate classification.
Comment: Please see associated publication for description of ethnicities

Literature cited by the submitters: PubMed 31937788 (cited by Women's Health and Genetics/Laboratory Corporation of America, LabCorp); PubMed 32573973 (cited by Women's Health and Genetics/Laboratory Corporation of America, LabCorp); PubMed 36077770 (cited by Women's Health and Genetics/Laboratory Corporation of America, LabCorp); PubMed 24728327 (cited by ITMI).